The following is an entry in ClinVar:

ClinVar aggregate classification (germline): Pathogenic/Likely pathogenic. Review status: criteria provided, multiple submitters, no conflicts (2 of 4 stars). 17 submissions from 17 submitters: Pathogenic (11); Likely pathogenic (1). 5 of the submissions do not count toward it. Last evaluated 2026-02-02.

Conditions:
Inborn genetic diseases. Identifiers: MedGen C0950123, MeSH D030342.
Mucopolysaccharidosis. Also called: Mucopolysaccharidoses. Identifiers: Orphanet 79213, MedGen C0026703, MeSH D009083, MONDO:0019249.
Mucopolysaccharidosis, MPS-III-A (MPS3A). Also called: MUCOPOLYSACCHARIDOSIS, TYPE IIIA, ATTENUATED; Mucopolysaccharidosis type IIIA (Sanfilippo A); mucopolysaccharidosis type 3A; MPS IIIA (Sanfilippo Syndrome Type A); MPS III A; HEPARAN SULFATE SULFATASE DEFICIENCY. Identifiers: Orphanet 581, Orphanet 79269, MedGen C0086647, MONDO:0009655, OMIM 252900.
SGSH-related disorder. Also called: SGSH-related condition.
Intellectual disability. Also called: Intellectual functioning disability; Intellectual developmental disorder; intellectual disabilities. Identifiers: MedGen C3714756, MeSH D008607, MONDO:0001071, HP:0001249.

Allele frequency attached by ClinVar (database versions not stated): gnomAD exomes 0.00009 and 0.00003; ExAC 0.00003; gnomAD 0.00002 and 0.00003; ESP Exome Variant Server 0.00015; TOPMed 0.00003.
gnomAD v4.1: 139 of 1,613,922 alleles (0.0086%); highest among the groups gnomAD compares: Non-Finnish European, 0.011%; no homozygotes.

Submissions (17):

Labcorp Genetics (formerly Invitae), Labcorp
Classification: Pathogenic for Mucopolysaccharidosis, MPS-III-A. Last evaluated: 2026-02-02. Review status: criteria provided, single submitter. Criteria: Invitae Variant Classification Sherloc (09022015). Collection method: clinical testing. Allele origin: germline.
Comment: This sequence change replaces glutamine, which is neutral and polar, with arginine, which is basic and polar, at codon 380 of the SGSH protein (p.Gln380Arg). This variant is present in population databases (rs144143780, gnomAD 0.009%). This missense change has been observed in individual(s) with mucopolysaccharidosis Type IIIA (PMID: 9285796, 21061399, 29023963). ClinVar contains an entry for this variant (Variation ID: 279891). Invitae Evidence Modeling of protein sequence and biophysical properties (such as structural, functional, and spatial information, amino acid conservation, physicochemical variation, residue mobility, and thermodynamic stability) indicates that this missense variant is not expected to disrupt SGSH protein function with a negative predictive value of 80%. For these reasons, this variant has been classified as Pathogenic.

Ambry Genetics
Classification: Pathogenic for Inborn genetic diseases. Last evaluated: 2025-12-18. Review status: criteria provided, single submitter. Criteria: Ambry Variant Classification Scheme 2023. Collection method: clinical testing. Allele origin: germline.
Comment: The c.1139A>G (p.Q380R) alteration is located in exon 8 (coding exon 8) of the SGSH gene. This alteration results from a A to G substitution at nucleotide position 1139, causing the glutamine (Q) at amino acid position 380 to be replaced by an arginine (R). Based on data from gnomAD, the G allele has an overall frequency of 0.003% (8/251028) total alleles studied. The highest observed frequency was 0.016% (1/6124) of Other alleles. This variant has been identified in the homozygous state and/or in conjunction with other SGSH variant(s) in individual(s) with features consistent with Mucopolysaccharidosis; in at least one instance, the variants were identified in trans (Weber, 1997; Valstar, 2010; Wijburgm, 2022). This amino acid position is not well conserved in available vertebrate species. This alteration is predicted to be tolerated by in silico analysis. Based on the available evidence, this alteration is classified as pathogenic.

Natera, Inc.
Classification: Pathogenic for Mucopolysaccharidosis type IIIA. Last evaluated: 2025-12-15. Review status: criteria provided, single submitter. Criteria: Natera Variant Classification Schema (03/2026). Collection method: clinical testing. Allele origin: germline.
Comment: The c.1139A>G variant in SGSH is a missense variant predicted to cause substitution of glutamine to arginine at amino acid 380. This variant is rare in the general population with a frequency below the threshold expected for the associated phenotype(s). This variant has been observed in one or more individuals affected with the associated recessive disease, as either homozygous or compound heterozygous with a second variant (PMID: 21061399, 29023963). Functional studies show that this variant may disrupt protein function (PMID: 29023963, 11509012). Multiple computational prediction algorithms suggest this variant is unlikely to affect gene or protein function. Given the available evidence, this variant is classified as Pathogenic.

Variantyx, Inc.
Classification: Pathogenic for Mucopolysaccharidosis, MPS-III-A. Last evaluated: 2025-10-23. Review status: criteria provided, single submitter. Criteria: Variantyx Assertion Criteria 2022. Collection method: clinical testing. Allele origin: germline. Inheritance: Autosomal recessive inheritance. Affected: no.
Comment: This is a nonsynonymous variant in the SGSH gene (OMIM: 605270). Pathogenic variants in this gene have been associated with autosomal recessive mucopolysaccharidosis type IIIA. This variant has been identified in the homozygous or compound heterozygous state in multiple individuals reported in the published literature (PMID: 21061399, 26787381, 9285796, 29023963) (PM3). Computational algorithms produce conflicting evidence regarding the predicted functional impact of this variant (REVEL score: 0.411), but functional studies have shown that this variant alters SGSH protein function (PMID: 29023963) (PS3). This variant has a 0.0108% maximum allele frequency in non-founder control populations (PM2). Based on the current evidence, this variant is classified as pathogenic for autosomal recessive mucopolysaccharidosis type IIIA.

PreventionGenetics, part of Exact Sciences
Classification: Pathogenic for SGSH-related condition. Last evaluated: 2025-09-09. Review status: criteria provided, single submitter. Criteria: ACMG Guidelines, 2015. Collection method: clinical testing. Allele origin: germline.
Comment: The SGSH c.1139A>G variant is predicted to result in the amino acid substitution p.Gln380Arg. This variant has been reported in the compound heterozygous state in multiple individuals affected with mucopolysaccharidosis IIIA/Sanfilippo syndrome A (Weber et al. 1997. PubMed ID: 9285796; Knottnerus et al. 2017. PubMed ID: 29023963). This variant is reported in 0.0093% of alleles in individuals of European (Finnish) descent in gnomAD. This variant is interpreted as pathogenic.

Blueprint Genetics
Classification: Pathogenic for SGSH-related disorders. Last evaluated: 2024-04-10. Review status: criteria provided, single submitter. Criteria: ACMG Guidelines, 2015. Collection method: clinical testing. Allele origin: germline. Affected: yes. Observed: 5 variant alleles.

Fulgent Genetics
Classification: Pathogenic for Mucopolysaccharidosis, MPS-III-A. Last evaluated: 2024-02-06. Review status: criteria provided, single submitter. Criteria: ACMG Guidelines, 2015. Collection method: clinical testing. Allele origin: germline.

GeneDx
Classification: Pathogenic. Last evaluated: 2023-01-28. Review status: criteria provided, single submitter. Criteria: GeneDx Variant Classification Process June 2021. Collection method: clinical testing. Allele origin: germline. Affected: yes.
Comment: In silico analysis supports that this missense variant does not alter protein structure/function; Not observed at significant frequency in large population cohorts (gnomAD); This variant is associated with the following publications: (PMID: 25807448, 9285796, 26787381, 24875751, 24816101, 21061399, 29023963, 34991944, 11509012)

Clinical Genetics Laboratory, Skane University Hospital Lund
Classification: Pathogenic. Last evaluated: 2022-07-13. Review status: criteria provided, single submitter. Criteria: ACMG Guidelines, 2015. Collection method: clinical testing. Allele origin: germline. Affected: yes.

Genome-Nilou Lab
Classification: Pathogenic for Mucopolysaccharidosis, MPS-III-A. Last evaluated: 2021-11-07. Review status: criteria provided, single submitter. Criteria: ACMG Guidelines, 2015. Collection method: clinical testing. Allele origin: germline. Affected: no.

Cambridge Genomics Laboratory, East Genomic Laboratory Hub, NHS Genomic Medicine Service
Classification: Likely pathogenic for Intellectual disability. Last evaluated: 2019-05-16. Review status: criteria provided, single submitter. Criteria: ACGS Best Practice Guidelines for Variant Classification in Rare Disease 2020. Collection method: clinical testing. Allele origin: germline. Affected: yes. Observed: 1 variant allele.

Women's Health and Genetics/Laboratory Corporation of America, LabCorp
Classification: Pathogenic for Mucopolysaccharidosis, MPS-III-A. Last evaluated: 2018-09-24. Review status: criteria provided, single submitter. Criteria: LabCorp Variant Classification Summary - May 2015. Collection method: clinical testing. Allele origin: germline.
Comment: Variant summary: SGSH c.1139A>G (p.Gln380Arg) results in a conservative amino acid change in the encoded protein sequence. Five of five in-silico tools predict a benign effect of the variant on protein function. The variant allele was found at a frequency of 3.3e-05 in 246122 control chromosomes. c.1139A>G has been reported in the literature in multiple individuals affected with Mucopolysaccharidosis Type IIIA (Sanfilippo Syndrome A). These data indicate that the variant is very likely to be associated with disease. At least one publication reports experimental evidence evaluating SGSH enzyme activity and showed the variant results in <10% of normal activity (Knottnerus_2017). Three clinical diagnostic laboratories have submitted clinical-significance assessments for this variant to ClinVar after 2014 and all classified the variant as pathogenic/likely pathogenic. Based on the evidence outlined above, the variant was classified as pathogenic.

Mayo Clinic Laboratories, Mayo Clinic
Classification: Likely pathogenic. Last evaluated: 2017-05-15. Review status: no assertion criteria provided. Collection method: clinical testing. Allele origin: unknown. Not counted in ClinVar's aggregate classification.

Counsyl
Classification: Pathogenic for Mucopolysaccharidosis, MPS-III-A. Last evaluated: 2017-04-04. Review status: no assertion criteria provided. Collection method: clinical testing. Allele origin: unknown. Not counted in ClinVar's aggregate classification.

Clinical Genetics DNA and cytogenetics Diagnostics Lab, Erasmus MC, Erasmus Medical Center
Classification: Pathogenic. Review status: no assertion criteria provided. Collection method: clinical testing. Allele origin: germline. Affected: yes. Study: VKGL Data-share Consensus. Not counted in ClinVar's aggregate classification.

GeneReviews
No classification provided. Condition: Mucopolysaccharidosis. Review status: no classification provided. Collection method: literature only. Allele origin: germline. Not counted in ClinVar's aggregate classification.

Laboratory of Diagnostic Genome Analysis, Leiden University Medical Center (LUMC)
Classification: Pathogenic. Review status: no assertion criteria provided. Collection method: clinical testing. Allele origin: germline. Affected: yes. Study: VKGL Data-share Consensus. Not counted in ClinVar's aggregate classification.

Literature cited by the submitters: PubMed 9285796 (cited by 5 submitters); PubMed 21061399 (cited by 6 submitters); PubMed 29023963 (cited by 4 submitters); PubMed 34991944 (cited by Ambry Genetics); PubMed 11509012 (cited by Natera, Inc.); PubMed 26787381 (cited by Variantyx, Inc. and Counsyl); PubMed 31536183 (cited by GeneReviews).

NM_000199.5(SGSH):c.1139A>G (p.Gln380Arg)

Gene: SGSH (N-sulfoglucosamine sulfohydrolase; minus strand). Cytogenetic location: 17q25.3.
Variant type: single nucleotide variant.
Coding change: c.1139A>G on transcript NM_000199.5 (MANE Select); coding-DNA position 1139, A replaced by G.
Protein change: p.Gln380Arg; replaces glutamine 380 with arginine.
Molecular consequence: missense variant. On other transcripts: 3 prime UTR variant (2), non-coding transcript variant (1).
Genome position (GRCh38, 1-based): chr17:80,210,822, T>C on the plus strand (A>G on the coding strand, the complement: SGSH is on the minus strand). VCF-style: chr17-80210822-T-C. GRCh37 (hg19) VCF-style: chr17-78184621-T-C.
Other names: c.*226A>G (NM_001352921.3); c.*189A>G (NM_001352922.2); c.1139A>G (NM_000199.4); short protein forms Q380R.
Identifiers: ClinVar variation 279891 (VCV000279891.43), dbSNP rs144143780, ClinGen allele CA8817662.